The following is an entry in ClinVar:

ClinVar aggregate classification (germline): Benign. Review status: criteria provided, multiple submitters, no conflicts (2 of 4 stars). 7 submissions from 7 submitters: Benign (7). Last evaluated 2026-05-11.

Conditions:
Curry-Hall syndrome (WAD). Also called: WEYERS ACRODENTAL DYSOSTOSIS. Identifiers: Orphanet 952, MedGen C0457013, MONDO:0008673, OMIM 193530.
Ellis-van Creveld syndrome (EVC). Also called: MESOECTODERMAL DYSPLASIA; Chondroectodermal dysplasia. Identifiers: Orphanet 289, MedGen C0013903, MONDO:0009162, OMIM 225500.

Allele frequency attached by ClinVar (database versions not stated): ESP Exome Variant Server 0.01038; gnomAD exomes 0.00571 and 0.00821; gnomAD 0.01046 and 0.00995; 1000 Genomes Project 30x 0.01437; 1000 Genomes Project 0.01418; ExAC 0.00915; TOPMed 0.01110.
gnomAD v4.1: 10,007 of 1,599,726 alleles (0.63%); highest among the groups gnomAD compares: South Asian, 2.8%; 114 homozygotes.

Submissions (7):

Women's Health and Genetics/Laboratory Corporation of America, LabCorp
Classification: Benign. Last evaluated: 2026-05-11. Review status: criteria provided, single submitter. Criteria: LabCorp Variant Classification Summary - May 2015. Collection method: clinical testing. Allele origin: germline.

Labcorp Genetics (formerly Invitae), Labcorp
Classification: Benign for Curry-Hall syndrome; Ellis-van Creveld syndrome. Last evaluated: 2026-02-04. Review status: criteria provided, single submitter. Criteria: Invitae Variant Classification Sherloc (09022015). Collection method: clinical testing. Allele origin: germline.

ARUP Laboratories, Molecular Genetics and Genomics, ARUP Laboratories
Classification: Benign. Last evaluated: 2024-10-16. Review status: criteria provided, single submitter. Criteria: ARUP Molecular Germline Variant Investigation Process 2024. Collection method: clinical testing. Allele origin: germline.

Pars Genome Lab
Classification: Benign for Ellis-van Creveld syndrome. Last evaluated: 2021-06-15. Review status: criteria provided, single submitter. Criteria: ACMG Guidelines, 2015. Collection method: clinical testing. Allele origin: germline. Affected: no.

GeneDx
Classification: Benign. Last evaluated: 2016-08-01. Review status: criteria provided, single submitter. Criteria: GeneDx Variant Classification (06012015). Collection method: clinical testing. Allele origin: germline. Affected: yes.
Comment: This variant is considered likely benign or benign based on one or more of the following criteria: it is a conservative change, it occurs at a poorly conserved position in the protein, it is predicted to be benign by multiple in silico algorithms, and/or has population frequency not consistent with disease.

Breakthrough Genomics
Classification: Benign. Review status: criteria provided, single submitter. Criteria: ACMG Guidelines, 2015. Collection method: not provided. Allele origin: germline. Inheritance: Autosomal recessive inheritance. Affected: yes.

PreventionGenetics, part of Exact Sciences
Classification: Benign. Review status: criteria provided, single submitter. Criteria: ACMG Guidelines, 2015. Collection method: clinical testing. Allele origin: germline.

NM_153717.3(EVC):c.385-16C>T

Gene: EVC (EvC ciliary complex subunit 1; plus strand). Cytogenetic location: 4p16.2.
Variant type: single nucleotide variant.
Coding change: c.385-16C>T on transcript NM_153717.3 (MANE Select); 16 bases into the intron before coding-DNA position 385, C replaced by T.
Molecular consequence: intron variant.
Genome position (GRCh38, 1-based): chr4:5,731,409, C>T. VCF-style: chr4-5731409-C-T. GRCh37 (hg19) VCF-style: chr4-5733136-C-T.
Other names: c.385-16C>T (NM_001306090.2, NM_001306092.2).
Identifiers: ClinVar variation 262781 (VCV000262781.27), dbSNP rs113571700, ClinGen allele CA2835682.